The following is an entry in ClinVar:

NM_007294.4(BRCA1):c.253G>A (p.Glu85Lys)

Gene: BRCA1 (BRCA1 DNA repair associated; minus strand). Cytogenetic location: 17q21.31.
Variant type: single nucleotide variant.
Coding change: c.253G>A on transcript NM_007294.4 (MANE Select); coding-DNA position 253, G replaced by A.
Protein change: p.Glu85Lys; replaces glutamic acid 85 with lysine.
Molecular consequence: missense variant. On other transcripts: non-coding transcript variant (1).
Genome position (GRCh38, 1-based): chr17:43,104,916, C>T on the plus strand (G>A on the coding strand, the complement: BRCA1 is on the minus strand). VCF-style: chr17-43104916-C-T. GRCh37 (hg19) VCF-style: chr17-41256933-C-T.
Other names: c.112G>A, p.Glu38Lys (NM_001407846.1, NM_001407847.1, NM_001407848.1 and 99 more transcripts); c.43G>A, p.Glu15Lys (NM_001407853.1, NM_001407879.1, NM_001407881.1 and 58 more transcripts); c.253G>A, p.Glu85Lys (NM_001407854.1, NM_001407858.1, NM_001407859.1 and 168 more transcripts); c.175G>A, p.Glu59Lys (NM_001407862.1, NM_001407874.1, NM_001407875.1 and 21 more transcripts); c.-129G>A (NM_001407959.1, NM_001407960.1, NM_001407962.1 and 4 more transcripts); c.121G>A, p.Glu41Lys (NM_001408451.1); short protein forms E85K, E38K, E41K, E15K, E59K.
Identifiers: ClinVar variation 868315 (VCV000868315.9), dbSNP rs2054685109, ClinGen allele CA10601650.
Genomic context (GRCh38, chr17:43,104,916, plus strand): 5'-TTCAACACTTACACTCCAAACCTGTGTCAAGCTGAAAAGCACAAATGATTTTCAATAGCT[C>T]TTCAACAAGTTGACTAAATCTCGTACTTTCTTGTAGGCTCCTGAAATTAAATTGTTTGAG-3'
Protein context (NP_009225.1, residues 75-95): ESTRFSQLVE[Glu85Lys]LLKIICAFQL

ClinVar aggregate classification (germline): Uncertain significance. Review status: criteria provided, multiple submitters, no conflicts (2 of 4 stars). 2 submissions from 2 submitters: Uncertain significance (2). Last evaluated 2022-12-10.

Conditions:
Hereditary breast ovarian cancer syndrome. Also called: Hereditary breast and ovarian cancer; Hereditary breast and ovarian cancer syndrome (HBOC); Breast and ovarian cancer; Hereditary breast and/or ovarian cancer syndrome; BRCA1- and BRCA2-Associated Hereditary Breast and Ovarian Cancer; Hereditary breast and ovarian cancer syndrome. Identifiers: Orphanet 145, MedGen C0677776, MeSH D061325, MONDO:0003582. Disease mechanism: loss of function.
Hereditary cancer-predisposing syndrome. Also called: Neoplastic Syndromes, Hereditary; Tumor predisposition; Hereditary Cancer Syndrome; Hereditary neoplastic syndrome. Identifiers: Orphanet 140162, MedGen C0027672, MeSH D009386, MONDO:0015356.

Submissions (3):

Labcorp Genetics (formerly Invitae), Labcorp
Classification: Uncertain significance for Hereditary breast ovarian cancer syndrome. Last evaluated: 2022-12-10. Review status: criteria provided, single submitter. Criteria: Invitae Variant Classification Sherloc (09022015). Collection method: clinical testing. Allele origin: germline.
Comment: This sequence change replaces glutamic acid, which is acidic and polar, with lysine, which is basic and polar, at codon 85 of the BRCA1 protein (p.Glu85Lys). In summary, the available evidence is currently insufficient to determine the role of this variant in disease. Therefore, it has been classified as a Variant of Uncertain Significance. Studies have shown that this missense change is associated with altered splicing resulting in unknown protein product impact (Invitae). Advanced modeling performed at Invitae incorporating data from internal and/or published experimental studies (PMID: 30209399) indicates that this missense variant is expected to disrupt BRCA1 function. ClinVar contains an entry for this variant (Variation ID: 868315). This variant has not been reported in the literature in individuals affected with BRCA1-related conditions. This variant is not present in population databases (gnomAD no frequency).

Color Diagnostics, LLC DBA Color Health
Classification: Uncertain significance for Hereditary cancer-predisposing syndrome. Last evaluated: 2020-02-09. Review status: criteria provided, single submitter. Criteria: ACMG Guidelines, 2015. Collection method: clinical testing. Allele origin: germline.
Comment: This missense variant replaces glutamic acid with lysine at codon 85 of the BRCA1 protein. Computational prediction is inconclusive regarding the impact of this variant on protein structure and function (internally defined REVEL score threshold 0.5 < inconclusive < 0.7, PMID: 27666373). Splice site prediction tools suggest that this variant may not impact RNA splicing. To our knowledge, functional studies have not been performed for this variant. This variant has not been reported in individuals affected with hereditary cancer in the literature. This variant has not been identified in the general population by the Genome Aggregation Database (gnomAD). The available evidence is insufficient to determine the role of this variant in disease conclusively. Therefore, this variant is classified as a Variant of Uncertain Significance.

Brotman Baty Institute, University of Washington
No classification provided (evidence only). Condition: Breast-ovarian cancer, familial 1. Review status: no classification provided. Collection method: in vitro. Allele origin: not applicable. Functional consequence: functionally_abnormal. Not counted in ClinVar's aggregate classification.
ClinVar note: "not provided" was previously submitted as the classification for the variant. However, the classification appeared to be based only on an observation of functional data so it was converted to no classification on 2025-07-30.

Literature cited by the submitters: PubMed 30209399 (cited by Labcorp Genetics (formerly Invitae), Labcorp).